The following is an entry in ClinVar:

NM_001457.4(FLNB):c.4860G>A (p.Thr1620=)

Gene: FLNB (filamin B; plus strand). Cytogenetic location: 3p14.3.
Variant type: single nucleotide variant.
Coding change: c.4860G>A on transcript NM_001457.4 (MANE Select); coding-DNA position 4860, G replaced by A.
Protein change: p.Thr1620=; no amino-acid change (threonine 1620 retained).
Molecular consequence: synonymous variant.
Genome position (GRCh38, 1-based): chr3:58,136,167, G>A. VCF-style: chr3-58136167-G-A. GRCh37 (hg19) VCF-style: chr3-58121894-G-A.
Other names: c.4953G>A, p.Thr1651= (NM_001164317.2); c.4860G>A, p.Thr1620= (NM_001164318.2, NM_001164319.2).
Identifiers: ClinVar variation 1450484 (VCV001450484.6), dbSNP rs755494114, ClinGen allele CA2468878.

ClinVar aggregate classification (germline): Uncertain significance (1 of 4 stars; one submission).

Allele frequency attached by ClinVar (database versions not stated): gnomAD 0.00001; gnomAD exomes 0.00002; TOPMed 0.00002; ExAC 0.00003.
gnomAD v4.1: 12 of 1,614,002 alleles (0.00074%); highest among the groups gnomAD compares: East Asian, 0.011%; no homozygotes.

Submission:

Labcorp Genetics (formerly Invitae), Labcorp
Classification: Uncertain significance. Last evaluated: 2025-04-28. Review status: criteria provided, single submitter. Criteria: Invitae Variant Classification Sherloc (09022015). Collection method: clinical testing. Allele origin: germline.
Comment: This sequence change affects codon 1620 of the FLNB mRNA. It is a 'silent' change, meaning that it does not change the encoded amino acid sequence of the FLNB protein. It affects a nucleotide within the consensus splice site. This variant is present in population databases (rs755494114, gnomAD 0.02%). This variant has not been reported in the literature in individuals affected with FLNB-related conditions. ClinVar contains an entry for this variant (Variation ID: 1450484). Algorithms developed to predict the effect of sequence changes on RNA splicing suggest that this variant is not likely to affect RNA splicing. In summary, the available evidence is currently insufficient to determine the role of this variant in disease. Therefore, it has been classified as a Variant of Uncertain Significance.